The following is an entry in ClinVar:

ClinVar aggregate classification (germline): Conflicting classifications of pathogenicity. Review status: criteria provided, conflicting classifications (1 of 4 stars). 2 submissions from 2 submitters: Uncertain significance (1); Likely benign (1). Last evaluated 2026-01-26.

Conditions:
Hereditary cancer-predisposing syndrome. Also called: Tumor predisposition; Neoplastic Syndromes, Hereditary; Hereditary Cancer Syndrome; Hereditary neoplastic syndrome. Identifiers: Orphanet 140162, MedGen C0027672, MeSH D009386, MONDO:0015356.
Familial adenomatous polyposis 2. Also called: COLORECTAL ADENOMATOUS POLYPOSIS, AUTOSOMAL RECESSIVE; ADENOMAS, MULTIPLE COLORECTAL, AUTOSOMAL RECESSIVE; MYH-associated polyposis; MUTYH Polyposis; Adenomas, multiple colorectal; MUTYH-associated polyposis. Identifiers: Orphanet 220460, Orphanet 247798, MedGen C3272841, MONDO:0012041, OMIM 608456.

Allele frequency attached by ClinVar (database versions not stated): gnomAD exomes below 0.00001.
gnomAD v4.1: 1 of 1,614,204 alleles (0.000062%); highest among the groups gnomAD compares: Non-Finnish European, 0.000085%; no homozygotes.

Submissions (2):

Labcorp Genetics (formerly Invitae), Labcorp
Classification: Uncertain significance for Familial adenomatous polyposis 2. Last evaluated: 2026-01-26. Review status: criteria provided, single submitter. Criteria: Invitae Variant Classification Sherloc (09022015). Collection method: clinical testing. Allele origin: germline.
Comment: This sequence change replaces serine, which is neutral and polar, with proline, which is neutral and non-polar, at codon 83 of the MUTYH protein (p.Ser83Pro). This variant is not present in population databases (gnomAD no frequency). This variant has not been reported in the literature in individuals affected with MUTYH-related conditions. ClinVar contains an entry for this variant (Variation ID: 657944). An algorithm developed to predict the effect of missense changes on protein structure and function outputs the following: PolyPhen-2: "Benign". The proline amino acid residue is found in multiple mammalian species, which suggests that this missense change does not adversely affect protein function. In summary, the available evidence is currently insufficient to determine the role of this variant in disease. Therefore, it has been classified as a Variant of Uncertain Significance.

Ambry Genetics
Classification: Likely benign for Hereditary cancer-predisposing syndrome. Last evaluated: 2018-12-19. Review status: criteria provided, single submitter. Criteria: Ambry Variant Classification Scheme 2023. Collection method: clinical testing. Allele origin: germline.

NM_001048174.2(MUTYH):c.163T>C (p.Ser55Pro)

Gene: MUTYH (mutY DNA glycosylase; minus strand). Cytogenetic location: 1p34.1.
Variant type: single nucleotide variant.
Coding change: c.163T>C on transcript NM_001048174.2 (MANE Select); coding-DNA position 163, T replaced by C.
Protein change: p.Ser55Pro; replaces serine 55 with proline.
Molecular consequence: missense variant. On other transcripts: 5 prime UTR variant (1), non-coding transcript variant (2), intron variant (3).
Genome position (GRCh38, 1-based): chr1:45,333,514, A>G on the plus strand (T>C on the coding strand, the complement: MUTYH is on the minus strand). VCF-style: chr1-45333514-A-G. GRCh37 (hg19) VCF-style: chr1-45799186-A-G.
Other names: c.163T>C, p.Ser55Pro (NM_001048171.2, NM_001048173.2, NM_001293195.2); c.166T>C, p.Ser56Pro (NM_001048172.2); c.247T>C, p.Ser83Pro (NM_001128425.2); c.208T>C, p.Ser70Pro (NM_001293190.2); c.196T>C, p.Ser66Pro (NM_001293191.2); c.-109T>C (NM_001350650.2); c.238T>C, p.Ser80Pro (NM_012222.3); c.-92-17T>C (NM_001350651.2); and 1 more; short protein forms S70P, S80P, S66P, S83P, S55P, S56P.
Identifiers: ClinVar variation 657944 (VCV000657944.15), dbSNP rs1570444542, ClinGen allele CA340136532.
Genomic context (GRCh38, chr1:45,333,514, plus strand): 5'-AGCTTAGCAGGCTCCCTCGGAAGGCTGTGACTTCAGCTACGTCTCTGAATAGATGGTATG[A>G]GGAGACAGAGGCCTGCAATACCACCTCTTCCGGCTGCCTGGCCAGGCCTGCTGGGGCCCC-3'
Protein context (NP_001041639.1, residues 45-65): EEVVLQASVS[Ser55Pro]YHLFRDVAEV